The following is an entry in ClinVar:

NM_001378778.1(MPDZ):c.5601+4A>G

Gene: MPDZ (multiple PDZ domain crumbs cell polarity complex component; minus strand). Cytogenetic location: 9p23.
Variant type: single nucleotide variant.
Coding change: c.5601+4A>G on transcript NM_001378778.1 (MANE Select); 4 bases into the intron after coding-DNA position 5601, A replaced by G.
Molecular consequence: intron variant.
Genome position (GRCh38, 1-based): chr9:13,113,007, T>C on the plus strand (A>G on the coding strand, the complement: MPDZ is on the minus strand). VCF-style: chr9-13113007-T-C. GRCh37 (hg19) VCF-style: chr9-13113006-T-C.
Other names: c.5304+4A>G (NM_001375425.1, NM_001375426.1); c.5391+4A>G (NM_001375420.1, NM_001375423.1, NM_001375424.1 and 2 more transcripts); c.5415+4A>G (NM_001375419.1, NM_001261407.2); c.5502+4A>G (NM_001375416.1, NM_001375418.1, NM_001261406.2 and 1 more transcripts); c.5601+4A>G (NM_001330637.2); c.5193+4A>G (NM_001375427.1); c.5514+4A>G (NM_003829.5); c.5700+4A>G (NM_001375413.1).
Identifiers: ClinVar variation 1401131 (VCV001401131.3), dbSNP rs544272098, ClinGen allele CA4986197.

ClinVar aggregate classification (germline): Uncertain significance (1 of 4 stars; one submission).

gnomAD v4.1: 277 of 1,582,606 alleles (0.018%); highest among the groups gnomAD compares: Non-Finnish European, 0.023%; no homozygotes.

Submission:

Labcorp Genetics (formerly Invitae), Labcorp
Classification: Uncertain significance. Last evaluated: 2022-10-25. Review status: criteria provided, single submitter. Criteria: Invitae Variant Classification Sherloc (09022015). Collection method: clinical testing. Allele origin: germline.
Comment: This sequence change falls in intron 41 of the MPDZ gene. It does not directly change the encoded amino acid sequence of the MPDZ protein. It affects a nucleotide within the consensus splice site. This variant is present in population databases (rs544272098, gnomAD 0.02%). This variant has not been reported in the literature in individuals affected with MPDZ-related conditions. ClinVar contains an entry for this variant (Variation ID: 1401131). Variants that disrupt the consensus splice site are a relatively common cause of aberrant splicing (PMID: 17576681, 9536098). Algorithms developed to predict the effect of sequence changes on RNA splicing suggest that this variant may disrupt the consensus splice site. In summary, the available evidence is currently insufficient to determine the role of this variant in disease. Therefore, it has been classified as a Variant of Uncertain Significance.

Literature cited by the submitters: PubMed 17576681; PubMed 9536098.